The following is an entry in ClinVar:

NM_025137.4(SPG11):c.5303G>A (p.Ser1768Asn)

Gene: SPG11 (SPG11 vesicle trafficking associated, spatacsin; minus strand). Cytogenetic location: 15q21.1.
Variant type: single nucleotide variant.
Coding change: c.5303G>A on transcript NM_025137.4 (MANE Select); coding-DNA position 5303, G replaced by A.
Protein change: p.Ser1768Asn; replaces serine 1768 with asparagine.
Molecular consequence: missense variant.
Genome position (GRCh38, 1-based): chr15:44,584,377, C>T on the plus strand (G>A on the coding strand, the complement: SPG11 is on the minus strand). VCF-style: chr15-44584377-C-T. GRCh37 (hg19) VCF-style: chr15-44876575-C-T.
Other names: c.5303G>A, p.Ser1768Asn (NM_001160227.2); c.5159G>A, p.Ser1720Asn (NM_001411132.1); short protein forms S1720N, S1768N.
Identifiers: ClinVar variation 2169188 (VCV002169188.2), dbSNP rs1006117026, ClinGen allele CA270080317.

ClinVar aggregate classification (germline): Uncertain significance (1 of 4 stars; one submission).

Conditions:
Hereditary spastic paraplegia 11. Also called: Nakamura Osame syndrome; Autosomal recessive hereditary spastic paraplegia, mental impairment, and thin corpus callosum; SPASTIC PARAPLEGIA, AUTOSOMAL RECESSIVE, COMPLICATED, WITH THIN CORPUS CALLOSUM; SPASTIC PARAPLEGIA, AUTOSOMAL RECESSIVE, WITH MENTAL IMPAIRMENT AND THIN CORPUS CALLOSUM; Spastic Paraplegia 11; Spastic paraplegia, mental retardation and thin corpus callosum. Identifiers: Orphanet 2822, MedGen C1858479, MONDO:0011445, OMIM 604360.

Submission:

Labcorp Genetics (formerly Invitae), Labcorp
Classification: Uncertain significance for Hereditary spastic paraplegia 11. Last evaluated: 2022-05-21. Review status: criteria provided, single submitter. Criteria: Invitae Variant Classification Sherloc (09022015). Collection method: clinical testing. Allele origin: germline.
Comment: In summary, the available evidence is currently insufficient to determine the role of this variant in disease. Therefore, it has been classified as a Variant of Uncertain Significance. Algorithms developed to predict the effect of missense changes on protein structure and function output the following: SIFT: "Tolerated"; PolyPhen-2: "Benign"; Align-GVGD: "Class C0". The asparagine amino acid residue is found in multiple mammalian species, which suggests that this missense change does not adversely affect protein function. This variant has not been reported in the literature in individuals affected with SPG11-related conditions. This variant is not present in population databases (gnomAD no frequency). This sequence change replaces serine, which is neutral and polar, with asparagine, which is neutral and polar, at codon 1768 of the SPG11 protein (p.Ser1768Asn).